The following is an entry in ClinVar:

NM_018196.4(TMLHE):c.883G>A (p.Val295Met)

Gene: TMLHE (trimethyllysine hydroxylase, epsilon; minus strand). Cytogenetic location: Xq28.
Variant type: single nucleotide variant.
Coding change: c.883G>A on transcript NM_018196.4 (MANE Select); coding-DNA position 883, G replaced by A.
Protein change: p.Val295Met; replaces valine 295 with methionine.
Molecular consequence: missense variant.
Genome position (GRCh38, 1-based): chrX:155,507,010, C>T on the plus strand (G>A on the coding strand, the complement: TMLHE is on the minus strand). VCF-style: chrX-155507010-C-T. GRCh37 (hg19) VCF-style: chrX-154736671-C-T.
Other names: c.883G>A, p.Val295Met (NM_001184797.2); short protein forms V295M.
Identifiers: ClinVar variation 4839457 (VCV004839457.1).

ClinVar aggregate classification (germline): Uncertain significance (1 of 4 stars; one submission).

Submission:

Ambry Genetics
Classification: Uncertain significance. Last evaluated: 2026-01-20. Review status: criteria provided, single submitter. Criteria: Ambry Variant Classification Scheme 2023. Collection method: clinical testing. Allele origin: germline.
Comment: The c.883G>A (p.V295M) alteration is located in exon 6 (coding exon 5) of the TMLHE gene. This alteration results from a G to A substitution at nucleotide position 883, causing the valine (V) at amino acid position 295 to be replaced by a methionine (M). Based on data from gnomAD, the A allele has an overall frequency of 0.001% (2/182885) total alleles studied. The highest observed frequency was 0.003% (2/81509) of European (non-Finnish) alleles. Based on insufficient or conflicting evidence, the clinical significance of this alteration remains unclear.